The following is an entry in ClinVar:

ClinVar aggregate classification (germline): Conflicting classifications of pathogenicity. Review status: criteria provided, conflicting classifications (1 of 4 stars). 4 submissions from 4 submitters: Uncertain significance (3); Likely benign (1). Last evaluated 2025-11-05.

Conditions:
Hereditary cancer-predisposing syndrome. Also called: Hereditary Cancer Syndrome; Neoplastic Syndromes, Hereditary; Tumor predisposition; Hereditary neoplastic syndrome. Identifiers: Orphanet 140162, MedGen C0027672, MeSH D009386, MONDO:0015356.
Familial adenomatous polyposis 3. Also called: NTHL1-Related Adenomatous Polyposis and Colorectal Cancer; NTHL1-related attenuated familial adenomatous polyposis; NTHL1 Tumor Syndrome; NTHL1-associated polyposis. Identifiers: Orphanet 220460, Orphanet 454840, MedGen C4225157, MONDO:0014630, OMIM 616415.

Allele frequency attached by ClinVar (database versions not stated): gnomAD exomes 0.00001; gnomAD 0.00002; ExAC 0.00003.
gnomAD v4.1: 9 of 1,585,764 alleles (0.00057%); highest among the groups gnomAD compares: Non-Finnish European, 0.000085%; no homozygotes.

Submissions (4):

Labcorp Genetics (formerly Invitae), Labcorp
Classification: Uncertain significance. Last evaluated: 2025-11-05. Review status: criteria provided, single submitter. Criteria: Invitae Variant Classification Sherloc (09022015). Collection method: clinical testing. Allele origin: germline.
Comment: This sequence change replaces glutamic acid, which is acidic and polar, with glycine, which is neutral and non-polar, at codon 35 of the NTHL1 protein (p.Glu35Gly). The frequency data for this variant in the population databases is considered unreliable, as metrics indicate poor data quality at this position in the gnomAD database. This variant has not been reported in the literature in individuals affected with NTHL1-related conditions. ClinVar contains an entry for this variant (Variation ID: 849971). An algorithm developed to predict the effect of missense changes on protein structure and function outputs the following: PolyPhen-2: "Benign". The glycine amino acid residue is found in multiple mammalian species, which suggests that this missense change does not adversely affect protein function. In summary, the available evidence is currently insufficient to determine the role of this variant in disease. Therefore, it has been classified as a Variant of Uncertain Significance.

Ambry Genetics
Classification: Likely benign for Hereditary cancer-predisposing syndrome. Last evaluated: 2025-04-10. Review status: criteria provided, single submitter. Criteria: Ambry Variant Classification Scheme 2023. Collection method: clinical testing. Allele origin: germline.

CeGaT Center for Human Genetics Tuebingen
Classification: Uncertain significance. Last evaluated: 2024-02-01. Review status: criteria provided, single submitter. Criteria: CeGaT Center For Human Genetics Tuebingen Variant Classification Criteria Version 2. Collection method: clinical testing. Allele origin: germline. Affected: yes. Observed: 1 variant allele.

Baylor Genetics
Classification: Uncertain significance for Familial adenomatous polyposis 3. Last evaluated: 2023-06-09. Review status: criteria provided, single submitter. Criteria: ACMG Guidelines, 2015. Collection method: clinical testing. Allele origin: unknown.

NM_002528.7(NTHL1):c.80A>G (p.Glu27Gly)

Gene: NTHL1 (nth like DNA glycosylase 1; minus strand). Cytogenetic location: 16p13.3.
Variant type: single nucleotide variant.
Coding change: c.80A>G on transcript NM_002528.7 (MANE Select); coding-DNA position 80, A replaced by G.
Protein change: p.Glu27Gly; replaces glutamic acid 27 with glycine.
Molecular consequence: missense variant. On other transcripts: 5 prime UTR variant (1).
Genome position (GRCh38, 1-based): chr16:2,047,744, T>C on the plus strand (A>G on the coding strand, the complement: NTHL1 is on the minus strand). VCF-style: chr16-2047744-T-C. GRCh37 (hg19) VCF-style: chr16-2097745-T-C.
Other names: c.104A>G (NM_002528.5); c.80A>G, p.Glu27Gly (NM_001318193.2); c.-99A>G (NM_001318194.2); short protein forms E27G.
Identifiers: ClinVar variation 849971 (VCV000849971.34), dbSNP rs762937286, ClinGen allele CA027380.
Genomic context (GRCh38, chr16:2,047,744, plus strand): 5'-CGCTCCAGCCACGGCGCGGCGCTACCTGCTGCAGCCTCTCTTCTCCGGAGAGGCCCGGGC[T>C]CCTCCCTACACCCCCGCGGCCCAGCCCCGGGTCCCAGGCTCCGGCTCCGGGTCAGCATCC-3'
Protein context (NP_002519.2, residues 17-37): PGAGPRGCRE[Glu27Gly]PGPLRRREAA